The following is an entry in ClinVar:

NM_001365951.3(KIF1B):c.1465G>A (p.Glu489Lys)

Gene: KIF1B (kinesin family member 1B; plus strand). Cytogenetic location: 1p36.22.
Variant type: single nucleotide variant.
Coding change: c.1465G>A on transcript NM_001365951.3 (MANE Select); coding-DNA position 1465, G replaced by A.
Protein change: p.Glu489Lys; replaces glutamic acid 489 with lysine.
Molecular consequence: missense variant.
Genome position (GRCh38, 1-based): chr1:10,291,112, G>A. VCF-style: chr1-10291112-G-A. GRCh37 (hg19) VCF-style: chr1-10351170-G-A.
Other names: c.1465G>A, p.Glu489Lys (NM_001365952.1); c.1327G>A, p.Glu443Lys (NM_001365953.1, NM_015074.3, NM_183416.4); short protein forms E443K, E489K.
Identifiers: ClinVar variation 3533932 (VCV003533932.1).

ClinVar aggregate classification (germline): Uncertain significance (1 of 4 stars; one submission).

Submission:

Ambry Genetics
Classification: Uncertain significance. Last evaluated: 2024-07-11. Review status: criteria provided, single submitter. Criteria: Ambry Variant Classification Scheme 2023. Collection method: clinical testing. Allele origin: germline.
Comment: The p.E443K variant (also known as c.1327G>A), located in coding exon 13 of the KIF1B gene, results from a G to A substitution at nucleotide position 1327. The glutamic acid at codon 443 is replaced by lysine, an amino acid with similar properties. This amino acid position is conserved. In addition, the in silico prediction for this alteration is inconclusive. Based on the available evidence, the clinical significance of this variant remains unclear.